The following is an entry in ClinVar:

NM_052936.5(ATG4A):c.736-3C>T

Gene: ATG4A (autophagy related 4A cysteine peptidase; plus strand). Cytogenetic location: Xq22.3.
Variant type: single nucleotide variant.
Coding change: c.736-3C>T on transcript NM_052936.5 (MANE Select); 3 bases into the intron before coding-DNA position 736, C replaced by T.
Molecular consequence: intron variant.
Genome position (GRCh38, 1-based): chrX:108,138,110, C>T. VCF-style: chrX-108138110-C-T. GRCh37 (hg19) VCF-style: chrX-107381340-C-T.
Other names: c.505-3C>T (NM_001321287.2, NM_001321288.2, NM_178271.3); c.220-3C>T (NM_001321290.2); c.397+226C>T (NM_001321289.2); c.628+226C>T (NM_178270.4).
Identifiers: ClinVar variation 2661161 (VCV002661161.24), dbSNP rs762535504, ClinGen allele CA10486961.

ClinVar aggregate classification (germline): Likely benign (1 of 4 stars; one submission).

Allele frequency attached by ClinVar (database versions not stated): ExAC 0.00002; TOPMed 0.00002; gnomAD exomes 0.00004.
gnomAD v4.1: 47 of 1,209,152 alleles (0.0039%); highest among the groups gnomAD compares: Non-Finnish European, 0.0049%; no homozygotes.

Submission:

CeGaT Center for Human Genetics Tuebingen
Classification: Likely benign. Last evaluated: 2023-01-01. Review status: criteria provided, single submitter. Criteria: CeGaT Center For Human Genetics Tuebingen Variant Classification Criteria Version 2. Collection method: clinical testing. Allele origin: germline. Affected: yes. Observed: 1 variant allele.
Comment: ATG4A: BP4, BS2